The following is an entry in ClinVar:

NM_025132.4(WDR19):c.2362G>A (p.Ala788Thr)

Gene: WDR19 (WD repeat domain 19; plus strand). Cytogenetic location: 4p14.
Variant type: single nucleotide variant.
Coding change: c.2362G>A on transcript NM_025132.4 (MANE Select); coding-DNA position 2362, G replaced by A.
Protein change: p.Ala788Thr; replaces alanine 788 with threonine.
Molecular consequence: missense variant.
Genome position (GRCh38, 1-based): chr4:39,234,874, G>A. VCF-style: chr4-39234874-G-A. GRCh37 (hg19) VCF-style: chr4-39236494-G-A.
Other names: c.1882G>A, p.Ala628Thr (NM_001317924.2); short protein forms A788T, A628T.
Identifiers: ClinVar variation 855226 (VCV000855226.8), dbSNP rs768082694, ClinGen allele CA2892057.

ClinVar aggregate classification (germline): Conflicting classifications of pathogenicity. Review status: criteria provided, conflicting classifications (1 of 4 stars). 3 submissions from 3 submitters: Uncertain significance (2); Likely benign (1). Last evaluated 2024-04-23.

Conditions:
Asphyxiating thoracic dystrophy 5 (SRTD5). Also called: SHORT-RIB THORACIC DYSPLASIA 5 WITH OR WITHOUT POLYDACTYLY; SHORT-RIB THORACIC DYSPLASIA 5 WITHOUT POLYDACTYLY. Identifiers: Orphanet 474, MedGen C3280598, MONDO:0013717, OMIM 614376.
Senior-Loken syndrome 8 (SLSN8). Identifiers: Orphanet 3156, MedGen C4225376, MONDO:0014579, OMIM 616307.
Spermatogenic failure 72 (SPGF72). Identifiers: MedGen C5676980, MONDO:0030809, OMIM 619867.
Nephronophthisis 13 (NPHP13). Identifiers: Orphanet 655, MedGen C3280612, MONDO:0013718, OMIM 614377.
Cranioectodermal dysplasia 4 (CED4). Identifiers: Orphanet 1515, MedGen C3280616, MONDO:0013719, OMIM 614378.
Inborn genetic diseases. Identifiers: MedGen C0950123, MeSH D030342.

Allele frequency attached by ClinVar (database versions not stated): gnomAD 0.00003 and 0.00004; ExAC 0.00004; gnomAD exomes 0.00009 and 0.00007; TOPMed 0.00006.
gnomAD v4.1: 102 of 1,551,728 alleles (0.0066%); highest among the groups gnomAD compares: Admixed American, 0.023%; no homozygotes.

Submissions (3):

Fulgent Genetics
Classification: Uncertain significance for Asphyxiating thoracic dystrophy 5; Nephronophthisis 13; Cranioectodermal dysplasia 4; Senior-Loken syndrome 8; Spermatogenic failure 72. Last evaluated: 2024-04-23. Review status: criteria provided, single submitter. Criteria: ACMG Guidelines, 2015. Collection method: clinical testing. Allele origin: germline.

Ambry Genetics
Classification: Likely benign for Inborn genetic diseases. Last evaluated: 2024-03-26. Review status: criteria provided, single submitter. Criteria: Ambry Variant Classification Scheme 2023. Collection method: clinical testing. Allele origin: germline.

Labcorp Genetics (formerly Invitae), Labcorp
Classification: Uncertain significance for Senior-Loken syndrome 8; Asphyxiating thoracic dystrophy 5. Last evaluated: 2022-07-21. Review status: criteria provided, single submitter. Criteria: Invitae Variant Classification Sherloc (09022015). Collection method: clinical testing. Allele origin: germline.
Comment: This sequence change replaces alanine, which is neutral and non-polar, with threonine, which is neutral and polar, at codon 788 of the WDR19 protein (p.Ala788Thr). This variant is present in population databases (rs768082694, gnomAD 0.03%). This variant has not been reported in the literature in individuals affected with WDR19-related conditions. ClinVar contains an entry for this variant (Variation ID: 855226). Algorithms developed to predict the effect of missense changes on protein structure and function output the following: SIFT: "Tolerated"; PolyPhen-2: "Benign"; Align-GVGD: "Class C0". The threonine amino acid residue is found in multiple mammalian species, which suggests that this missense change does not adversely affect protein function. In summary, the available evidence is currently insufficient to determine the role of this variant in disease. Therefore, it has been classified as a Variant of Uncertain Significance.